The following is an entry in ClinVar:

NM_014363.6(SACS):c.8356G>C (p.Asp2786His)

Gene: SACS (sacsin molecular chaperone; minus strand). Cytogenetic location: 13q12.12.
Variant type: single nucleotide variant.
Coding change: c.8356G>C on transcript NM_014363.6 (MANE Select); coding-DNA position 8356, G replaced by C.
Protein change: p.Asp2786His; replaces aspartic acid 2786 with histidine.
Molecular consequence: missense variant.
Genome position (GRCh38, 1-based): chr13:23,335,520, C>G on the plus strand (G>C on the coding strand, the complement: SACS is on the minus strand). VCF-style: chr13-23335520-C-G. GRCh37 (hg19) VCF-style: chr13-23909659-C-G.
Other names: c.7915G>C, p.Asp2639His (NM_001278055.2); short protein forms D2786H, D2639H.
Identifiers: ClinVar variation 448224 (VCV000448224.4), dbSNP rs753607639, ClinGen allele CA6910775.

ClinVar aggregate classification (germline): Uncertain significance. Review status: criteria provided, multiple submitters, no conflicts (2 of 4 stars). 3 submissions from 3 submitters: Uncertain significance (2). 1 of the submissions does not count toward it. Last evaluated 2022-04-19.

Conditions:
Charlevoix-Saguenay spastic ataxia (SACS). Also called: SPASTIC ATAXIA 6, AUTOSOMAL RECESSIVE; AUTOSOMAL RECESSIVE SPASTIC ATAXIA OF CHARLEVOIX-SAGUENAY; Spastic ataxia of Charlevoix-Saguenay. Identifiers: Orphanet 98, MedGen C1849140, MONDO:0010041, OMIM 270550.
Spastic paraplegia. Identifiers: MedGen C0037772, HP:0001258.

Allele frequency attached by ClinVar (database versions not stated): TOPMed below 0.00001; gnomAD 0.00001; gnomAD exomes 0.00001 and 0.00006; ExAC 0.00002.
gnomAD v4.1: 89 of 1,613,570 alleles (0.0055%); highest among the groups gnomAD compares: Non-Finnish European, 0.0075%; no homozygotes.

Submissions (3):

Labcorp Genetics (formerly Invitae), Labcorp
Classification: Uncertain significance for Spastic paraplegia. Last evaluated: 2022-04-19. Review status: criteria provided, single submitter. Criteria: Invitae Variant Classification Sherloc (09022015). Collection method: clinical testing. Allele origin: germline.
Comment: This sequence change replaces aspartic acid, which is acidic and polar, with histidine, which is basic and polar, at codon 2786 of the SACS protein (p.Asp2786His). This variant is present in population databases (rs753607639, gnomAD 0.003%). This variant has not been reported in the literature in individuals affected with SACS-related conditions. ClinVar contains an entry for this variant (Variation ID: 448224). Algorithms developed to predict the effect of missense changes on protein structure and function are either unavailable or do not agree on the potential impact of this missense change (SIFT: "Deleterious"; PolyPhen-2: "Probably Damaging"; Align-GVGD: "Class C0"). In summary, the available evidence is currently insufficient to determine the role of this variant in disease. Therefore, it has been classified as a Variant of Uncertain Significance.

Athena Diagnostics
Classification: Uncertain significance. Last evaluated: 2017-06-07. Review status: criteria provided, single submitter. Criteria: Athena Diagnostics Criteria. Collection method: clinical testing. Allele origin: germline.

Natera, Inc.
Classification: Uncertain significance for Charlevoix-Saguenay type spastic ataxia. Last evaluated: 2019-11-11. Review status: no assertion criteria provided. Collection method: clinical testing. Allele origin: germline. Not counted in ClinVar's aggregate classification.